The following is an entry in ClinVar:

NM_007294.4(BRCA1):c.1839_1841delinsAGT (p.Lys614Val)

Gene: BRCA1 (BRCA1 DNA repair associated; minus strand). Cytogenetic location: 17q21.31.
Variant type: Indel.
Coding change: c.1839_1841delinsAGT on transcript NM_007294.4 (MANE Select); coding-DNA positions 1839 to 1841, GAA replaced by AGT.
Protein change: p.Lys614Val; replaces lysine 614 with valine.
Molecular consequence: missense variant. On other transcripts: intron variant (137).
Genome position (GRCh38, 1-based): chr17:43,093,690-43,093,692, TTC replaced by ACT on the plus strand (GAA replaced by AGT on the coding strand, the reverse complement: BRCA1 is on the minus strand). VCF-style: chr17-43093690-TTC-ACT. GRCh37 (hg19) VCF-style: chr17-41245707-TTC-ACT.
Other names: c.646+1052_646+1054delinsAGT (NM_001408467.1, NM_001408459.1, NM_001408455.1 and 11 more transcripts); c.583+1052_583+1054delinsAGT (NM_001408475.1); c.709+1052_709+1054delinsAGT (NM_001408412.1, NM_001408409.1, NM_001408414.1 and 2 more transcripts); c.451+1052_451+1054delinsAGT (NM_001408509.1, NM_001408508.1); c.574+1052_574+1054delinsAGT (NM_001408491.1, NM_001408493.1, NM_001408490.1); c.460+2154_460+2156delinsAGT (NM_001408506.1, NM_001408507.1); c.577+1052_577+1054delinsAGT (NM_001408481.1, NM_001408480.1, NM_001408492.1 and 9 more transcripts); c.778+1052_778+1054delinsAGT (NM_001408408.1); and 40 more; short protein forms K567V, K614V, K318V, K502V, K546V, K547V, K573V, K446V.
Identifiers: ClinVar variation 2446382 (VCV002446382.5), dbSNP rs1597873873, ClinGen allele CA915950123.

ClinVar aggregate classification (germline): Conflicting classifications of pathogenicity. Review status: criteria provided, conflicting classifications (1 of 4 stars). 2 submissions from 2 submitters: Uncertain significance (1); Likely benign (1). Last evaluated 2023-03-23.

Conditions:
Hereditary cancer-predisposing syndrome. Also called: Neoplastic Syndromes, Hereditary; Hereditary Cancer Syndrome; Tumor predisposition; Hereditary neoplastic syndrome. Identifiers: Orphanet 140162, MedGen C0027672, MeSH D009386, MONDO:0015356.
Hereditary breast ovarian cancer syndrome. Also called: Hereditary breast and ovarian cancer syndrome (HBOC); Hereditary breast and ovarian cancer syndrome; Hereditary breast and/or ovarian cancer syndrome; Breast and ovarian cancer; Hereditary breast and ovarian cancer; BRCA1- and BRCA2-Associated Hereditary Breast and Ovarian Cancer. Identifiers: Orphanet 145, MedGen C0677776, MeSH D061325, MONDO:0003582. Disease mechanism: loss of function.

Submissions (2):

University of Washington Department of Laboratory Medicine, University of Washington
Classification: Likely benign for Hereditary cancer-predisposing syndrome. Last evaluated: 2023-03-23. Review status: criteria provided, single submitter. Criteria: Dines et al. (Genet Med. 2020). Collection method: curation. Allele origin: germline.
Comment: Missense variant in a coldspot region where missense variants are very unlikely to be pathogenic (PMID:31911673).

BRCA1 coldspot (exon 11 using historical exon numbering). Reclassification based on statistical prior probability

Labcorp Genetics (formerly Invitae), Labcorp
Classification: Uncertain significance for Hereditary breast ovarian cancer syndrome. Last evaluated: 2021-09-05. Review status: criteria provided, single submitter. Criteria: Invitae Variant Classification Sherloc (09022015). Collection method: clinical testing. Allele origin: germline.
Comment: ClinVar contains an entry for this variant (Variation ID: 642621). In summary, the available evidence is currently insufficient to determine the role of this variant in disease. Therefore, it has been classified as a Variant of Uncertain Significance. Experimental studies and prediction algorithms are not available or were not evaluated, and the functional significance of this variant is currently unknown. This variant has not been reported in the literature in individuals affected with BRCA1-related conditions. The frequency data for this variant in the population databases is not available, as this variant may be reported as separate entries in the ExAC database. This variant, c.1839_1841delinsAGT, is a complex sequence change that results in the deletion of 1 and insertion of 1 amino acid(s) in the BRCA1 protein (p.Lys614Val).